The following is an entry in ClinVar:

ClinVar aggregate classification (germline): Uncertain significance. Review status: criteria provided, multiple submitters, no conflicts (2 of 4 stars). 3 submissions from 3 submitters: Uncertain significance (3). Last evaluated 2025-08-25.

Conditions:
Malignant hyperthermia, susceptibility to, 5 (MHS5). Also called: CACNA1S-Related Malignant Hyperthermia Susceptibility. Identifiers: Orphanet 423, MedGen C1866077, MONDO:0011163, OMIM 601887.
Hypokalemic periodic paralysis, type 1. Also called: HypoPP; Hypokalemic Periodic Paralysis Type 1 (AD). Identifiers: Orphanet 681, MedGen C3714580, MONDO:0042979, OMIM 170400.

Allele frequency attached by ClinVar (database versions not stated): TOPMed below 0.00001; gnomAD 0.00001; gnomAD exomes 0.00001.
gnomAD v4.1: 9 of 1,613,800 alleles (0.00056%); highest among the groups gnomAD compares: Non-Finnish European, 0.00076%; no homozygotes.

Submissions (3):

Labcorp Genetics (formerly Invitae), Labcorp
Classification: Uncertain significance for Hypokalemic periodic paralysis, type 1; Malignant hyperthermia, susceptibility to, 5. Last evaluated: 2025-08-25. Review status: criteria provided, single submitter. Criteria: Invitae Variant Classification Sherloc (09022015). Collection method: clinical testing. Allele origin: germline.
Comment: This sequence change replaces threonine, which is neutral and polar, with serine, which is neutral and polar, at codon 1772 of the CACNA1S protein (p.Thr1772Ser). This variant is present in population databases (no rsID available, gnomAD 0.002%). This variant has not been reported in the literature in individuals affected with CACNA1S-related conditions. ClinVar contains an entry for this variant (Variation ID: 474001). Invitae Evidence Modeling of protein sequence and biophysical properties (such as structural, functional, and spatial information, amino acid conservation, physicochemical variation, residue mobility, and thermodynamic stability) indicates that this missense variant is not expected to disrupt CACNA1S protein function with a negative predictive value of 95%. In summary, the available evidence is currently insufficient to determine the role of this variant in disease. Therefore, it has been classified as a Variant of Uncertain Significance.

All of Us Research Program, National Institutes of Health
Classification: Uncertain significance for Malignant hyperthermia, susceptibility to, 5. Last evaluated: 2024-04-16. Review status: criteria provided, single submitter. Criteria: ACMG Guidelines, 2015. Collection method: clinical testing. Allele origin: germline. Inheritance: Autosomal dominant inheritance. Observed: 3 variant alleles, 3 heterozygotes.
Comment: This missense variant replaces threonine with serine at codon 1772 of the CACNA1S protein. Computational prediction suggests that this variant may not impact protein structure and function (internally defined REVEL score threshold <= 0.5, PMID: 27666373). To our knowledge, functional studies have not been reported for this variant. This variant has not been reported in individuals affected with CACNA1S-related disorders in the literature. This variant has been identified in 3/282054 chromosomes in the general population by the Genome Aggregation Database (gnomAD). The available evidence is insufficient to determine the role of this variant in disease conclusively. Therefore, this variant is classified as a Variant of Uncertain Significance.

This study involves interpretation of variants in research participants for the purpose of population health screening. Participant phenotype was not available at the time of variant classification. Additional details can be found in publication PMID: 35346344, PMCID: PMC8962531

Color Diagnostics, LLC DBA Color Health
Classification: Uncertain significance for Malignant hyperthermia, susceptibility to, 5. Last evaluated: 2024-03-06. Review status: criteria provided, single submitter. Criteria: ACMG Guidelines, 2015. Collection method: clinical testing. Allele origin: germline.
Comment: This missense variant replaces threonine with serine at codon 1772 of the CACNA1S protein. Computational prediction suggests that this variant may not impact protein structure and function. To our knowledge, functional studies have not been reported for this variant. This variant has not been reported in individuals affected with CACNA1S-related disorders in the literature. This variant has been identified in 3/282054 chromosomes in the general population by the Genome Aggregation Database (gnomAD). The available evidence is insufficient to determine the role of this variant in disease conclusively. Therefore, this variant is classified as a Variant of Uncertain Significance.

NM_000069.3(CACNA1S):c.5315C>G (p.Thr1772Ser)

Gene: CACNA1S (calcium voltage-gated channel subunit alpha1 S; minus strand). Cytogenetic location: 1q32.1.
Variant type: single nucleotide variant.
Coding change: c.5315C>G on transcript NM_000069.3 (MANE Select); coding-DNA position 5315, C replaced by G.
Protein change: p.Thr1772Ser; replaces threonine 1772 with serine.
Molecular consequence: missense variant.
Genome position (GRCh38, 1-based): chr1:201,040,286, G>C on the plus strand (C>G on the coding strand, the complement: CACNA1S is on the minus strand). VCF-style: chr1-201040286-G-C. GRCh37 (hg19) VCF-style: chr1-201009414-G-C.
Other names: short protein forms T1772S.
Identifiers: ClinVar variation 474001 (VCV000474001.12), dbSNP rs751225635, ClinGen allele CA344130722.